The following is an entry in ClinVar:

ClinVar aggregate classification (germline): Benign/Likely benign. Review status: criteria provided, multiple submitters, no conflicts (2 of 4 stars). 10 submissions from 8 submitters: Benign (9); Likely benign (1). Last evaluated 2026-02-04.

Conditions:
Schwartz-Jampel syndrome. Also called: Myotonic myopathy dwarfism chondrodystrophy and ocular and facial abnormalities. Identifiers: Orphanet 800, MedGen C0036391, MONDO:0009717.
Connective tissue disorder. Also called: Connective tissue disease. Identifiers: MedGen C0009782, MONDO:0003900.
Lethal Kniest-like syndrome (DDSH). Also called: Dyssegmental Dysplasia. Identifiers: Orphanet 1865, MedGen C1857100, MONDO:0009140, OMIM 224410.

Allele frequency attached by ClinVar (database versions not stated): 1000 Genomes Project 30x 0.03186; 1000 Genomes Project 0.03435; TOPMed 0.03647; gnomAD 0.03837 and 0.04033; ESP Exome Variant Server 0.03990; gnomAD exomes 0.04900 and 0.05832; ExAC 0.05599.
gnomAD v4.1: 90,903 of 1,609,560 alleles (5.6%); highest among the groups gnomAD compares: South Asian, 11%; 3,065 homozygotes.

Submissions (10):

Labcorp Genetics (formerly Invitae), Labcorp
Classification: Benign. Last evaluated: 2026-02-04. Review status: criteria provided, single submitter. Criteria: Invitae Variant Classification Sherloc (09022015). Collection method: clinical testing. Allele origin: germline.

ARUP Laboratories, Molecular Genetics and Genomics, ARUP Laboratories
Classification: Benign. Last evaluated: 2025-04-17. Review status: criteria provided, single submitter. Criteria: ARUP Molecular Germline Variant Investigation Process 2024. Collection method: clinical testing. Allele origin: germline.

Blueprint Genetics
Classification: Likely benign. Last evaluated: 2024-11-26. Review status: criteria provided, single submitter. Criteria: ACMG Guidelines, 2015. Collection method: clinical testing. Allele origin: germline.

Genome Diagnostics Laboratory, The Hospital for Sick Children
Classification: Benign for Connective tissue disorder. Last evaluated: 2022-06-03. Review status: criteria provided, single submitter. Criteria: ACMG Guidelines, 2015. Collection method: clinical testing. Allele origin: germline.

Genome-Nilou Lab
Classification: Benign for Lethal Kniest-like syndrome. Last evaluated: 2021-08-10. Review status: criteria provided, single submitter. Criteria: ACMG Guidelines, 2015. Collection method: clinical testing. Allele origin: germline. Affected: no.

Genome-Nilou Lab
Classification: Benign for Schwartz-Jampel syndrome type 1. Last evaluated: 2021-08-10. Review status: criteria provided, single submitter. Criteria: ACMG Guidelines, 2015. Collection method: clinical testing. Allele origin: germline. Affected: no.

GeneDx
Classification: Benign. Last evaluated: 2018-08-25. Review status: criteria provided, single submitter. Criteria: GeneDx Variant Classification Process June 2021. Collection method: clinical testing. Allele origin: germline. Affected: yes.

Illumina Laboratory Services, Illumina
Classification: Benign for Schwartz-Jampel syndrome type 1. Last evaluated: 2018-01-13. Review status: criteria provided, single submitter. Criteria: ICSL Variant Classification Criteria 13 December 2019. Collection method: clinical testing. Allele origin: germline.
Comment: This variant was observed in the ICSL laboratory as part of a predisposition screen in an ostensibly healthy population. It had not been previously curated by ICSL or reported in the Human Gene Mutation Database (HGMD: prior to June 1st, 2018), and was therefore a candidate for classification through an automated scoring system. Utilizing variant allele frequency, disease prevalence and penetrance estimates, and inheritance mode, an automated score was calculated to assess if this variant is too frequent to cause the disease. Based on the score and internal cut-off values, a variant classified as benign is not then subjected to further curation. The score for this variant resulted in a classification of benign for this disease.

Illumina Laboratory Services, Illumina
Classification: Benign for Lethal Kniest-like syndrome. Last evaluated: 2018-01-13. Review status: criteria provided, single submitter. Criteria: ICSL Variant Classification Criteria 13 December 2019. Collection method: clinical testing. Allele origin: germline.
Comment: the same text as in the submission from Illumina Laboratory Services, Illumina above.

Breakthrough Genomics
Classification: Benign. Review status: criteria provided, single submitter. Criteria: ACMG Guidelines, 2015. Collection method: not provided. Allele origin: germline. Inheritance: Autosomal recessive inheritance. Affected: yes.

NM_005529.7(HSPG2):c.8939T>A (p.Leu2980His)

Gene: HSPG2 (heparan sulfate proteoglycan 2; minus strand). Cytogenetic location: 1p36.12.
Variant type: single nucleotide variant.
Coding change: c.8939T>A on transcript NM_005529.7 (MANE Select); coding-DNA position 8939, T replaced by A.
Protein change: p.Leu2980His; replaces leucine 2980 with histidine.
Molecular consequence: missense variant.
Genome position (GRCh38, 1-based): chr1:21,842,352, A>T on the plus strand (T>A on the coding strand, the complement: HSPG2 is on the minus strand). VCF-style: chr1-21842352-A-T. GRCh37 (hg19) VCF-style: chr1-22168845-A-T.
Other names: c.8942T>A, p.Leu2981His (NM_001291860.2); short protein forms L2980H, L2981H.
Identifiers: ClinVar variation 295765 (VCV000295765.34), dbSNP rs2229489, ClinGen allele CA670606.
Genomic context (GRCh38, chr1:21,842,352, plus strand): 5'-TCAGGGCCTGGGCCGCTGGCTGCACGACACACATACTCGCCTGAGTCGGCAGGGGAGACG[A>T]GGTGGAGCCGCAGCTGGGAGCCATGGGTCTGTCAGAGCAGCGAGGGGACAGTTATCAGGG-3'
Protein context (NP_005520.4, residues 2970-2990): QTHGSQLRLH[Leu2980His]VSPADSGEYV